The following is an entry in ClinVar:

NM_170601.5(SIAE):c.916C>T (p.Arg306Cys)

Gene: SIAE (sialic acid acetylesterase; minus strand). Cytogenetic location: 11q24.2.
Variant type: single nucleotide variant.
Coding change: c.916C>T on transcript NM_170601.5 (MANE Select); coding-DNA position 916, C replaced by T.
Protein change: p.Arg306Cys; replaces arginine 306 with cysteine.
Molecular consequence: missense variant.
Genome position (GRCh38, 1-based): chr11:124,647,415, G>A on the plus strand (C>T on the coding strand, the complement: SIAE is on the minus strand). VCF-style: chr11-124647415-G-A. GRCh37 (hg19) VCF-style: chr11-124517311-G-A.
Other names: c.811C>T, p.Arg271Cys (NM_001199922.2); c.916C>T (NM_170601.4); short protein forms R306C, R271C.
Identifiers: ClinVar variation 1515272 (VCV001515272.7), dbSNP rs535499830, ClinGen allele CA6341373.

ClinVar aggregate classification (germline): Uncertain significance. Review status: criteria provided, multiple submitters, no conflicts (2 of 4 stars). 2 submissions from 2 submitters: Uncertain significance (2). Last evaluated 2025-11-19.

Allele frequency attached by ClinVar (database versions not stated): TOPMed 0.00002; gnomAD exomes 0.00003 and 0.00004; gnomAD 0.00004 and 0.00005; ExAC 0.00007; 1000 Genomes Project 30x 0.00047; 1000 Genomes Project 0.00060.

Submissions (2):

Labcorp Genetics (formerly Invitae), Labcorp
Classification: Uncertain significance. Last evaluated: 2025-11-19. Review status: criteria provided, single submitter. Criteria: Invitae Variant Classification Sherloc (09022015). Collection method: clinical testing. Allele origin: germline.
Comment: This sequence change replaces arginine, which is basic and polar, with cysteine, which is neutral and slightly polar, at codon 306 of the SIAE protein (p.Arg306Cys). This variant is present in population databases (rs535499830, gnomAD 0.01%). This variant has not been reported in the literature in individuals affected with SIAE-related conditions. ClinVar contains an entry for this variant (Variation ID: 1515272). An algorithm developed to predict the effect of missense changes on protein structure and function outputs the following: PolyPhen-2: "Benign". The cysteine amino acid residue is found in multiple mammalian species, which suggests that this missense change does not adversely affect protein function. In summary, the available evidence is currently insufficient to determine the role of this variant in disease. Therefore, it has been classified as a Variant of Uncertain Significance.

Ambry Genetics
Classification: Uncertain significance. Last evaluated: 2025-11-13. Review status: criteria provided, single submitter. Criteria: Ambry Variant Classification Scheme 2023. Collection method: clinical testing. Allele origin: germline.